The following is an entry in ClinVar:

NC_000017.10:g.(?_29508420)_(29701173_?)del

Genes: EVI2A (ecotropic viral integration site 2A; minus strand), EVI2B (ecotropic viral integration site 2B; minus strand), NF1 (neurofibromin 1; plus strand), OMG (oligodendrocyte myelin glycoprotein; minus strand). Cytogenetic location: 17q11.2.
Variant type: Deletion.
Identifiers: ClinVar variation 3242882 (VCV003242882.1).

ClinVar aggregate classification (germline): Pathogenic (1 of 4 stars; one submission).

Conditions:
Neurofibromatosis, type 1 (NF1). Also called: VON RECKLINGHAUSEN DISEASE; Neurofibromatosis, type I; Peripheral type neurofibromatosis; NEUROFIBROMATOSIS, TYPE I, SOMATIC. Identifiers: Orphanet 636, MedGen C0027831, MONDO:0018975, OMIM 162200. Disease mechanism: loss of function.

Submission:

Labcorp Genetics (formerly Invitae), Labcorp
Classification: Pathogenic for Neurofibromatosis, type 1. Last evaluated: 2024-01-10. Review status: criteria provided, single submitter. Criteria: Invitae Variant Classification Sherloc (09022015). Collection method: clinical testing. Allele origin: unknown.
Comment: This variant is a gross deletion of the genomic region encompassing exon(s) 6-57 of the NF1 gene, which includes the termination codon. This deletion extends beyond the assayed region for this gene and therefore may encompass additional genes. While this deletion is not anticipated to lead to nonsense mediated decay, it is expected to alter mRNA translation or result in a truncated protein product. This variant has not been reported in the literature in individuals affected with NF1-related conditions. This variant disrupts a region of the NF1 protein in which other variant(s) (p.Ala2716Asp) have been determined to be pathogenic (Invitae). This suggests that this is a clinically significant region of the protein, and that variants that disrupt it are likely to be disease-causing. For these reasons, this variant has been classified as Pathogenic.